The following is an entry in ClinVar:

ClinVar aggregate classification (germline): Uncertain significance. Review status: criteria provided, single submitter (1 of 4 stars). 2 submissions from 2 submitters: Uncertain significance (1). 1 of the submissions does not count toward it. Last evaluated 2025-09-08.

Conditions:
Vanishing white matter disease. Also called: Childhood ataxia with diffuse central nervous system hypomyelination; Leukoencephalopathy with vanishing white matter; CACH/VWM syndrome; Cree leukoencehalopathy; CACH syndrome. Identifiers: Orphanet 135, Orphanet 99853, MedGen C1858991, MONDO:0800448.

Allele frequency attached by ClinVar (database versions not stated): gnomAD exomes below 0.00001.
gnomAD v4.1: 1 of 1,614,174 alleles (0.000062%); highest among the groups gnomAD compares: Non-Finnish European, 0.000085%; no homozygotes.

Submissions (2):

Labcorp Genetics (formerly Invitae), Labcorp
Classification: Uncertain significance. Last evaluated: 2025-09-08. Review status: criteria provided, single submitter. Criteria: Invitae Variant Classification Sherloc (09022015). Collection method: clinical testing. Allele origin: germline.
Comment: This sequence change replaces asparagine, which is neutral and polar, with serine, which is neutral and polar, at codon 177 of the EIF2B5 protein (p.Asn177Ser). This variant is not present in population databases (gnomAD no frequency). This variant has not been reported in the literature in individuals affected with EIF2B5-related conditions. ClinVar contains an entry for this variant (Variation ID: 2127603). Invitae Evidence Modeling of protein sequence and biophysical properties (such as structural, functional, and spatial information, amino acid conservation, physicochemical variation, residue mobility, and thermodynamic stability) indicates that this missense variant is not expected to disrupt EIF2B5 protein function with a negative predictive value of 80%. In summary, the available evidence is currently insufficient to determine the role of this variant in disease. Therefore, it has been classified as a Variant of Uncertain Significance.

Natera, Inc.
Classification: Uncertain significance for Leukoencephalopathy with vanishing white matter. Last evaluated: 2025-05-02. Review status: no assertion criteria provided. Collection method: clinical testing. Allele origin: germline. Not counted in ClinVar's aggregate classification.

NM_003907.3(EIF2B5):c.530A>G (p.Asn177Ser)

Gene: EIF2B5 (eukaryotic translation initiation factor 2B subunit epsilon; plus strand). Cytogenetic location: 3q27.1.
Variant type: single nucleotide variant.
Coding change: c.530A>G on transcript NM_003907.3 (MANE Select); coding-DNA position 530, A replaced by G.
Protein change: p.Asn177Ser; replaces asparagine 177 with serine.
Molecular consequence: missense variant.
Genome position (GRCh38, 1-based): chr3:184,137,921, A>G. VCF-style: chr3-184137921-A-G. GRCh37 (hg19) VCF-style: chr3-183855709-A-G.
Other names: c.530A>G (NM_003907.2); short protein forms N177S.
Identifiers: ClinVar variation 2127603 (VCV002127603.5), dbSNP rs2473661506, ClinGen allele CA355382170.